The following is an entry in ClinVar:

ClinVar aggregate classification (germline): Likely pathogenic (1 of 4 stars; one submission).

Conditions:
Pseudopseudohypoparathyroidism (PPHP). Also called: ALBRIGHT HEREDITARY OSTEODYSTROPHY WITHOUT MULTIPLE HORMONE RESISTANCE; Pseudopseudohypoparathyroidism (PPHP). Identifiers: Orphanet 79445, MedGen C0033835, MONDO:0012912, OMIM 612463.

Submission:

3billion
Classification: Likely pathogenic for Pseudopseudohypoparathyroidism. Last evaluated: 2022-05-22. Review status: criteria provided, single submitter. Criteria: ACMG Guidelines, 2015. Collection method: clinical testing. Allele origin: germline. Affected: yes. Observed: 1 heterozygote.
Comment: The variant is not observed in the gnomAD v2.1.1 dataset. Canonical splice site: predicted to alter splicing and result in a loss or disruption of normal protein function through protein truncation. Multiple pathogenic variants are reported in the predicted truncated region. Therefore, this variant is classified as likely pathogenic according to the recommendation of ACMG/AMP guideline.

NM_000516.7(GNAS):c.1039-1G>A

Gene: GNAS (GNAS complex locus; plus strand). Cytogenetic location: 20q13.32.
Variant type: single nucleotide variant.
Coding change: c.1039-1G>A on transcript NM_000516.7 (MANE Select); the canonical splice acceptor site of the intron before coding-DNA position 1039, G replaced by A.
Molecular consequence: splice acceptor variant.
Genome position (GRCh38, 1-based): chr20:58,910,682, G>A. VCF-style: chr20-58910682-G-A. GRCh37 (hg19) VCF-style: chr20-57485737-G-A.
Other names: c.*945-1G>A (NM_016592.5); c.943-1G>A (NM_001410912.1); c.862-1G>A (NM_001309861.2, NM_001309840.2); c.*900-1G>A (NM_001077490.3); c.2968-1G>A (NM_080425.4); c.2923-1G>A (NM_001410913.1); c.1042-1G>A (NM_001077488.5); c.997-1G>A (NM_080426.4); and 1 more.
Identifiers: ClinVar variation 1687574 (VCV001687574.1), dbSNP rs2146304851, ClinGen allele CA409453673.